The following is an entry in ClinVar:

ClinVar aggregate classification (germline): Uncertain significance (1 of 4 stars; one submission).

Conditions:
Hereditary cancer-predisposing syndrome. Also called: Tumor predisposition; Neoplastic Syndromes, Hereditary; Hereditary Cancer Syndrome; Hereditary neoplastic syndrome. Identifiers: Orphanet 140162, MedGen C0027672, MeSH D009386, MONDO:0015356.

Submission:

Ambry Genetics
Classification: Uncertain significance for Hereditary cancer-predisposing syndrome. Last evaluated: 2024-08-21. Review status: criteria provided, single submitter. Criteria: Ambry Variant Classification Scheme 2023. Collection method: clinical testing. Allele origin: germline.
Comment: The p.F520L variant (also known as c.1558T>C), located in coding exon 6 of the BLM gene, results from a T to C substitution at nucleotide position 1558. The phenylalanine at codon 520 is replaced by leucine, an amino acid with highly similar properties. This amino acid position is conserved. In addition, this alteration is predicted to be tolerated by in silico analysis. Based on the available evidence, the clinical significance of this variant remains unclear.

NM_000057.4(BLM):c.1558T>C (p.Phe520Leu)

Gene: BLM (BLM RecQ like helicase; plus strand). Cytogenetic location: 15q26.1.
Variant type: single nucleotide variant.
Coding change: c.1558T>C on transcript NM_000057.4 (MANE Select); coding-DNA position 1558, T replaced by C.
Protein change: p.Phe520Leu; replaces phenylalanine 520 with leucine.
Molecular consequence: missense variant.
Genome position (GRCh38, 1-based): chr15:90,760,931, T>C. VCF-style: chr15-90760931-T-C. GRCh37 (hg19) VCF-style: chr15-91304161-T-C.
Other names: c.1558T>C, p.Phe520Leu (NM_001287246.2, NM_001287247.2); c.433T>C, p.Phe145Leu (NM_001287248.2); short protein forms F145L, F520L.
Identifiers: ClinVar variation 3480837 (VCV003480837.1).